The following is an entry in ClinVar:

NM_001005373.4(LRSAM1):c.866G>A (p.Ser289Asn)

Gene: LRSAM1 (leucine rich repeat and sterile alpha motif containing 1; plus strand). Cytogenetic location: 9q33.3.
Variant type: single nucleotide variant.
Coding change: c.866G>A on transcript NM_001005373.4 (MANE Select); coding-DNA position 866, G replaced by A.
Protein change: p.Ser289Asn; replaces serine 289 with asparagine.
Molecular consequence: missense variant. On other transcripts: non-coding transcript variant (2).
Genome position (GRCh38, 1-based): chr9:127,479,468, G>A. VCF-style: chr9-127479468-G-A. GRCh37 (hg19) VCF-style: chr9-130241747-G-A.
Other names: c.866G>A, p.Ser289Asn (NM_001005374.4, NM_001190723.3, NM_001384142.1 and 2 more transcripts); c.77G>A, p.Ser26Asn (NM_001384144.1); short protein forms S26N, S289N.
Identifiers: ClinVar variation 1962472 (VCV001962472.5), dbSNP rs2539384698, ClinGen allele CA374931258.

ClinVar aggregate classification (germline): Uncertain significance (1 of 4 stars; one submission).

Conditions:
Charcot-Marie-Tooth disease axonal type 2P. Also called: CHARCOT-MARIE-TOOTH NEUROPATHY, TYPE 2P; CHARCOT-MARIE-TOOTH DISEASE, AXONAL, TYPE 2G; CMT 2G; Charcot-Marie-Tooth Neuropathy Type 2G. Identifiers: Orphanet 300319, Orphanet 99941, MedGen C3280797, MONDO:0013753, OMIM 614436.

Allele frequency attached by ClinVar (database versions not stated): gnomAD exomes below 0.00001.
gnomAD v4.1: 1 of 1,614,162 alleles (0.000062%); highest among the groups gnomAD compares: East Asian, 0.0022%; no homozygotes.

Submission:

Labcorp Genetics (formerly Invitae), Labcorp
Classification: Uncertain significance for Charcot-Marie-Tooth disease axonal type 2P. Last evaluated: 2022-06-15. Review status: criteria provided, single submitter. Criteria: Invitae Variant Classification Sherloc (09022015). Collection method: clinical testing. Allele origin: germline.
Comment: In summary, the available evidence is currently insufficient to determine the role of this variant in disease. Therefore, it has been classified as a Variant of Uncertain Significance. Algorithms developed to predict the effect of missense changes on protein structure and function output the following: SIFT: "Tolerated"; PolyPhen-2: "Benign"; Align-GVGD: "Class C0". The asparagine amino acid residue is found in multiple mammalian species, which suggests that this missense change does not adversely affect protein function. This variant has not been reported in the literature in individuals affected with LRSAM1-related conditions. This variant is not present in population databases (gnomAD no frequency). This sequence change replaces serine, which is neutral and polar, with asparagine, which is neutral and polar, at codon 289 of the LRSAM1 protein (p.Ser289Asn).